The following is an entry in ClinVar:

NM_145239.3(PRRT2):c.641C>A (p.Ala214Asp)

Genes: MVP-DT (MVP divergent transcript; minus strand), PRRT2 (proline rich transmembrane protein 2; plus strand). Cytogenetic location: 16p11.2.
Variant type: single nucleotide variant.
Coding change: c.641C>A on transcript NM_145239.3 (MANE Select); coding-DNA position 641, C replaced by A.
Protein change: p.Ala214Asp; replaces alanine 214 with aspartic acid.
Molecular consequence: missense variant.
Genome position (GRCh38, 1-based): chr16:29,813,695, C>A. VCF-style: chr16-29813695-C-A. GRCh37 (hg19) VCF-style: chr16-29825016-C-A.
Other names: c.641C>A, p.Ala214Asp (NM_001256442.2, NM_001256443.2); short protein forms A214D.
Identifiers: ClinVar variation 1500954 (VCV001500954.8), dbSNP rs1299324384, ClinGen allele CA395479156.
Genomic context (GRCh38, chr16:29,813,695, plus strand): 5'-AGGGCCCAGCCCCTGAGCCTCACTCACCACCCTCAAAAAAATCCCCCCCAGCCAATGGGG[C>A]CCCCCCCCGAGTGCTGCAGCAGCTGGTTGAGGAGGATCGAATGAGAAGGGCACACAGTGG-3'
Protein context (NP_660282.2, residues 204-224): PSKKSPPANG[Ala214Asp]PPRVLQQLVE

ClinVar aggregate classification (germline): Uncertain significance (1 of 4 stars; one submission).

Conditions:
Episodic kinesigenic dyskinesia (EKD). Also called: Paroxysmal kinesigenic dyskinesia. Identifiers: Orphanet 98809, MedGen C1868682, MONDO:0044202.

Submission:

Labcorp Genetics (formerly Invitae), Labcorp
Classification: Uncertain significance for Episodic kinesigenic dyskinesia. Last evaluated: 2021-01-08. Review status: criteria provided, single submitter. Criteria: Invitae Variant Classification Sherloc (09022015). Collection method: clinical testing. Allele origin: germline.
Comment: In summary, the available evidence is currently insufficient to determine the role of this variant in disease. Therefore, it has been classified as a Variant of Uncertain Significance. Algorithms developed to predict the effect of missense changes on protein structure and function are either unavailable or do not agree on the potential impact of this missense change (SIFT: "Deleterious"; PolyPhen-2: "Probably Damaging"; Align-GVGD: "Class C0"). This variant has not been reported in the literature in individuals with PRRT2-related conditions. This variant is not present in population databases (ExAC no frequency). This sequence change replaces alanine with aspartic acid at codon 214 of the PRRT2 protein (p.Ala214Asp). The alanine residue is highly conserved and there is a moderate physicochemical difference between alanine and aspartic acid.